The following is an entry in ClinVar:

NM_000138.5(FBN1):c.7699+1G>T

Gene: FBN1 (fibrillin 1; minus strand). Cytogenetic location: 15q21.1.
Variant type: single nucleotide variant.
Coding change: c.7699+1G>T on transcript NM_000138.5 (MANE Select); the canonical splice donor site of the intron after coding-DNA position 7699, G replaced by T.
Molecular consequence: splice donor variant.
Genome position (GRCh38, 1-based): chr15:48,421,557, C>A on the plus strand (G>T on the coding strand, the complement: FBN1 is on the minus strand). VCF-style: chr15-48421557-C-A. GRCh37 (hg19) VCF-style: chr15-48713754-C-A.
Other names: c.7699+1G>T (NM_001406716.1).
Identifiers: ClinVar variation 3759550 (VCV003759550.2).
Genomic context (GRCh38, chr15:48,421,557, plus strand): 5'-GCCACACAGGCCACCTCCACAAGGATTCACCAGCTGGATCGCAGCTGAAGTCTCCACCCA[C>A]CTTCACAGCTGGAGCCGGTCTGATCAAGTGAGAATCCCCGCTGGCATTCACAGGTGAAGC-3'

ClinVar aggregate classification (germline): Pathogenic (1 of 4 stars; one submission).

Conditions:
Marfan syndrome (MFS). Also called: MARFAN SYNDROME, TYPE I; Marfan syndrome type 1; Marfan's syndrome; Marfan syndrome, classic; FBN1-Related Marfan Syndrome. Identifiers: Orphanet 284963, Orphanet 558, MedGen C0024796, MONDO:0007947, OMIM 154700.
Familial thoracic aortic aneurysm and aortic dissection (TAAD). Also called: Thoracic aortic aneurysms and dissections. Identifiers: Orphanet 91387, MedGen C4707243, MONDO:0019625.

Submission:

Labcorp Genetics (formerly Invitae), Labcorp
Classification: Pathogenic for Marfan syndrome; Familial thoracic aortic aneurysm and aortic dissection. Last evaluated: 2024-10-27. Review status: criteria provided, single submitter. Criteria: Invitae Variant Classification Sherloc (09022015). Collection method: clinical testing. Allele origin: germline.
Comment: This sequence change affects a donor splice site in intron 62 of the FBN1 gene. It is expected to disrupt RNA splicing. Variants that disrupt the donor or acceptor splice site typically lead to a loss of protein function (PMID: 16199547), and loss-of-function variants in FBN1 are known to be pathogenic (PMID: 17657824, 19293843). This variant is not present in population databases (gnomAD no frequency). Disruption of this splice site has been observed in individuals with Marfan syndrome (PMID: 21542060; internal data). Algorithms developed to predict the effect of sequence changes on RNA splicing suggest that this variant may disrupt the consensus splice site. For these reasons, this variant has been classified as Pathogenic.

Literature cited by the submitters: PubMed 16199547; PubMed 17657824; PubMed 19293843; PubMed 21542060.